The following is an entry in ClinVar:

ClinVar aggregate classification (germline): Uncertain significance (1 of 4 stars; one submission).

Conditions:
Cardiomyopathy (CMYO). Also called: Cardiomyopathies. Identifiers: Orphanet 167848, MedGen C0878544, MONDO:0004994, HP:0001638. Inheritance: Various modes of inheritance.

Submission:

Color Diagnostics, LLC DBA Color Health
Classification: Uncertain significance for Cardiomyopathy. Last evaluated: 2025-07-28. Review status: criteria provided, single submitter. Criteria: ACMG Guidelines, 2015. Collection method: clinical testing. Allele origin: germline.
Comment: This missense variant replaces serine with threonine at codon 1147 of the MYH7 protein. Computational prediction is inconclusive regarding the impact of this variant on protein structure and function. To our knowledge, functional studies have not been reported for this variant. This variant has not been reported in individuals affected with MYH7-related disorders in the literature. This variant has been identified in 1/237752 chromosomes in the general population by the Genome Aggregation Database (gnomAD). The available evidence is insufficient to determine the role of this variant in disease conclusively. Therefore, this variant is classified as a Variant of Uncertain Significance.

NM_000257.4(MYH7):c.3440G>C (p.Ser1147Thr)

Gene: MYH7 (myosin heavy chain 7; minus strand). Cytogenetic location: 14q11.2.
Variant type: single nucleotide variant.
Coding change: c.3440G>C on transcript NM_000257.4 (MANE Select); coding-DNA position 3440, G replaced by C.
Protein change: p.Ser1147Thr; replaces serine 1147 with threonine.
Molecular consequence: missense variant.
Genome position (GRCh38, 1-based): chr14:23,420,131, C>G on the plus strand (G>C on the coding strand, the complement: MYH7 is on the minus strand). VCF-style: chr14-23420131-C-G. GRCh37 (hg19) VCF-style: chr14-23889340-C-G.
Other names: c.3440G>C, p.Ser1147Thr (NM_001407004.1); short protein forms S1147T.
Identifiers: ClinVar variation 4758982 (VCV004758982.1).
Genomic context (GRCh38, chr14:23,420,131, plus strand): 5'-CGCTTCTTGTTCATCTCGATCTGCACGGACGTGGCCCCGCCGGCCTCTTCCAGCCGCTCG[C>G]TGATCTCCTCCAGCTCCCGAGACAGGTCTGAGCGCAGCTTCTCCACCTTAGCCCTGGCGG-3'
Protein context (NP_000248.2, residues 1137-1157): SDLSRELEEI[Ser1147Thr]ERLEEAGGAT